The following is an entry in ClinVar:

NM_004304.5(ALK):c.3360G>C (p.Arg1120=)

Gene: ALK (ALK receptor tyrosine kinase; minus strand). Cytogenetic location: 2p23.2.
Variant type: single nucleotide variant.
Coding change: c.3360G>C on transcript NM_004304.5 (MANE Select); coding-DNA position 3360, G replaced by C.
Protein change: p.Arg1120=; no amino-acid change (arginine 1120 retained).
Molecular consequence: synonymous variant.
Genome position (GRCh38, 1-based): chr2:29,222,607, C>G on the plus strand (G>C on the coding strand, the complement: ALK is on the minus strand). VCF-style: chr2-29222607-C-G. GRCh37 (hg19) VCF-style: chr2-29445473-C-G.
Other names: c.3360G>C (NM_004304.4); c.156G>C, p.Arg52= (NM_001353765.2).
Identifiers: ClinVar variation 3723504 (VCV003723504.3).

ClinVar aggregate classification (germline): Conflicting classifications of pathogenicity. Review status: criteria provided, conflicting classifications (1 of 4 stars). 2 submissions from 2 submitters: Uncertain significance (1); Likely benign (1). Last evaluated 2026-07-13.

Conditions:
Neuroblastoma, susceptibility to, 3. Also called: ALK-Related Neuroblastic Tumor Susceptibility. Identifiers: Orphanet 635, MedGen C2751681, MONDO:0013083, OMIM 613014.
Hereditary cancer-predisposing syndrome. Also called: Tumor predisposition; Hereditary neoplastic syndrome; Hereditary Cancer Syndrome; Neoplastic Syndromes, Hereditary. Identifiers: Orphanet 140162, MedGen C0027672, MeSH D009386, MONDO:0015356.

Submissions (2):

Ambry Genetics
Classification: Likely benign for Hereditary cancer-predisposing syndrome. Last evaluated: 2026-07-13. Review status: criteria provided, single submitter. Criteria: Ambry Variant Classification Scheme 2023. Collection method: clinical testing. Allele origin: germline.

Labcorp Genetics (formerly Invitae), Labcorp
Classification: Uncertain significance for Neuroblastoma, susceptibility to, 3. Last evaluated: 2024-10-22. Review status: criteria provided, single submitter. Criteria: Invitae Variant Classification Sherloc (09022015). Collection method: clinical testing. Allele origin: germline.
Comment: This sequence change affects codon 1120 of the ALK mRNA. It is a 'silent' change, meaning that it does not change the encoded amino acid sequence of the ALK protein. It affects a nucleotide within the consensus splice site. This variant is not present in population databases (gnomAD no frequency). This variant has not been reported in the literature in individuals affected with ALK-related conditions. Algorithms developed to predict the effect of sequence changes on RNA splicing suggest that this variant is not likely to affect RNA splicing. In summary, the available evidence is currently insufficient to determine the role of this variant in disease. Therefore, it has been classified as a Variant of Uncertain Significance.